The following is an entry in ClinVar:

ClinVar aggregate classification (germline): Uncertain significance (0 of 4 stars; one submission).

Conditions:
ALYREF-related disorder. Also called: ALYREF-related condition.

gnomAD v4.1: 21 of 1,605,928 alleles (0.0013%); highest among the groups gnomAD compares: Non-Finnish European, 0.0018%; no homozygotes.

Submission:

PreventionGenetics, part of Exact Sciences
Classification: Uncertain significance for ALYREF-related condition. Last evaluated: 2024-04-03. Review status: no assertion criteria provided. Collection method: clinical testing. Allele origin: germline.
Comment: The ALYREF c.692G>T variant is predicted to result in the amino acid substitution p.Arg231Leu. To our knowledge, this variant has not been reported in the literature or in a large population database, indicating this variant is rare. At this time, the clinical significance of this variant is uncertain due to the absence of conclusive functional and genetic evidence.

NM_005782.4(ALYREF):c.692G>T (p.Arg231Leu)

Gene: ALYREF (Aly/REF export factor; minus strand). Cytogenetic location: 17q25.3.
Variant type: single nucleotide variant.
Coding change: c.692G>T on transcript NM_005782.4 (MANE Select); coding-DNA position 692, G replaced by T.
Protein change: p.Arg231Leu; replaces arginine 231 with leucine.
Molecular consequence: missense variant. On other transcripts: non-coding transcript variant (1).
Genome position (GRCh38, 1-based): chr17:81,888,329, C>A on the plus strand (G>T on the coding strand, the complement: ALYREF is on the minus strand). VCF-style: chr17-81888329-C-A. GRCh37 (hg19) VCF-style: chr17-79846205-C-A.
Other names: short protein forms R231L.
Identifiers: ClinVar variation 3351628 (VCV003351628.1).